The following is an entry in ClinVar:

ClinVar aggregate classification (germline): Uncertain significance (1 of 4 stars; one submission).

Submission:

GeneDx
Classification: Uncertain significance. Last evaluated: 2022-11-22. Review status: criteria provided, single submitter. Criteria: GeneDx Variant Classification Process June 2021. Collection method: clinical testing. Allele origin: germline. Affected: yes.
Comment: Not observed at significant frequency in large population cohorts (gnomAD); In silico analysis supports that this missense variant does not alter protein structure/function; Has not been previously published as pathogenic or benign to our knowledge

NM_001128228.3(TPRN):c.361G>A (p.Ala121Thr)

Genes: TPRN (taperin; minus strand), LOC130003092 (ATAC-STARR-seq lymphoblastoid silent region 20589; plus strand). Cytogenetic location: 9q34.3.
Variant type: single nucleotide variant.
Coding change: c.361G>A on transcript NM_001128228.3 (MANE Select); coding-DNA position 361, G replaced by A.
Protein change: p.Ala121Thr; replaces alanine 121 with threonine.
Molecular consequence: missense variant.
Genome position (GRCh38, 1-based): chr9:137,200,351, C>T on the plus strand (G>A on the coding strand, the complement: TPRN is on the minus strand). VCF-style: chr9-137200351-C-T. GRCh37 (hg19) VCF-style: chr9-140094803-C-T.
Other names: short protein forms A121T.
Identifiers: ClinVar variation 2502630 (VCV002502630.1), dbSNP rs2538731656, ClinGen allele CA375783306.